The following is an entry in ClinVar:

NM_001354604.2(MITF):c.622G>A (p.Glu208Lys)

Gene: MITF (melanocyte inducing transcription factor; plus strand). Cytogenetic location: 3p13.
Variant type: single nucleotide variant.
Coding change: c.622G>A on transcript NM_001354604.2 (MANE Select); coding-DNA position 622, G replaced by A.
Protein change: p.Glu208Lys; replaces glutamic acid 208 with lysine.
Molecular consequence: missense variant.
Genome position (GRCh38, 1-based): chr3:69,939,137, G>A. VCF-style: chr3-69939137-G-A. GRCh37 (hg19) VCF-style: chr3-69988288-G-A.
Other names: c.301G>A, p.Glu101Lys (NM_000248.4, NM_198158.3); c.466G>A, p.Glu156Lys (NM_001184967.2, NM_001354608.2); c.619G>A, p.Glu207Lys (NM_001354605.2, NM_001354606.2, NM_006722.3); c.571G>A, p.Glu191Lys (NM_001354607.2); c.622G>A, p.Glu208Lys (NM_198159.3); c.574G>A, p.Glu192Lys (NM_198177.3); c.133G>A, p.Glu45Lys (NM_198178.3); short protein forms E101K, E156K, E191K, E192K, E207K, E208K, E45K.
Identifiers: ClinVar variation 1217664 (VCV001217664.15), dbSNP rs768503905, ClinGen allele CA2490403.

ClinVar aggregate classification (germline): Uncertain significance. Review status: criteria provided, multiple submitters, no conflicts (2 of 4 stars). 6 submissions from 6 submitters: Uncertain significance (6). Last evaluated 2026-01-13.

Conditions:
MITF-related disorder. Also called: MITF-related condition.
Waardenburg syndrome type 2A (WS2A). Also called: WAARDENBURG SYNDROME WITHOUT DYSTOPIA CANTHORUM. Identifiers: Orphanet 3440, MedGen C1860339, MONDO:0008671, OMIM 193510.
Melanoma, cutaneous malignant, susceptibility to, 8. Also called: MELANOMA AND RENAL CELL CARCINOMA, SUSCEPTIBILITY TO; Cutaneous malignant melanoma 8. Identifiers: Orphanet 293822, MedGen C3152204, MONDO:0013759, OMIM 614456.
Tietz syndrome (TADS). Also called: ALBINISM-DEAFNESS OF TIETZ; HYPOPIGMENTATION/DEAFNESS OF TIETZ; TIETZ ALBINISM-DEAFNESS SYNDROME. Identifiers: Orphanet 42665, MedGen C0391816, MONDO:0007077, OMIM 103500.
Hereditary cancer-predisposing syndrome. Also called: Hereditary Cancer Syndrome; Hereditary neoplastic syndrome; Neoplastic Syndromes, Hereditary; Tumor predisposition. Identifiers: Orphanet 140162, MedGen C0027672, MeSH D009386, MONDO:0015356.
Coloboma, osteopetrosis, microphthalmia, macrocephaly, albinism, and deafness (COMMAD). Also called: COMMAD syndrome. Identifiers: Orphanet 603494, MedGen C4310625, MONDO:0015014, OMIM 617306.

Allele frequency attached by ClinVar (database versions not stated): gnomAD 0.00001 and 0.00002; TOPMed 0.00002; gnomAD exomes 0.00004; ExAC 0.00005.
gnomAD v4.1: 107 of 1,613,960 alleles (0.0066%); highest among the groups gnomAD compares: Non-Finnish European, 0.0081%; no homozygotes.

Submissions (6):

Labcorp Genetics (formerly Invitae), Labcorp
Classification: Uncertain significance for Melanoma, cutaneous malignant, susceptibility to, 8; Waardenburg syndrome type 2A; Tietz syndrome. Last evaluated: 2026-01-13. Review status: criteria provided, single submitter. Criteria: Invitae Variant Classification Sherloc (09022015). Collection method: clinical testing. Allele origin: germline.
Comment: This sequence change replaces glutamic acid, which is acidic and polar, with lysine, which is basic and polar, at codon 101 of the MITF protein (p.Glu101Lys). This variant is present in population databases (rs768503905, gnomAD 0.007%). This variant has not been reported in the literature in individuals affected with MITF-related conditions. ClinVar contains an entry for this variant (Variation ID: 1217664). An algorithm developed to predict the effect of missense changes on protein structure and function (PolyPhen-2) suggests that this variant is likely to be tolerated. In summary, the available evidence is currently insufficient to determine the role of this variant in disease. Therefore, it has been classified as a Variant of Uncertain Significance.

PreventionGenetics, part of Exact Sciences
Classification: Uncertain significance for MITF-related condition. Last evaluated: 2026-01-03. Review status: criteria provided, single submitter. Criteria: ACMG Guidelines, 2015. Collection method: clinical testing. Allele origin: germline.
Comment: The MITF c.301G>A variant is predicted to result in the amino acid substitution p.Glu101Lys. To our knowledge, this variant has not been reported in the literature. This variant is reported in 0.0062% of alleles in individuals of European (Non-Finnish) descent in gnomAD. At this time, the clinical significance of this variant is uncertain due to the absence of conclusive functional and genetic evidence.

Ambry Genetics
Classification: Uncertain significance for Hereditary cancer-predisposing syndrome. Last evaluated: 2024-11-30. Review status: criteria provided, single submitter. Criteria: Ambry Variant Classification Scheme 2023. Collection method: clinical testing. Allele origin: germline.
Comment: The p.E101K variant (also known as c.301G>A), located in coding exon 3 of the MITF gene, results from a G to A substitution at nucleotide position 301. The glutamic acid at codon 101 is replaced by lysine, an amino acid with similar properties. This amino acid position is conserved. In addition, the in silico prediction for this alteration is inconclusive. Based on the available evidence, the clinical significance of this variant remains unclear.

GeneDx
Classification: Uncertain significance. Last evaluated: 2023-01-20. Review status: criteria provided, single submitter. Criteria: GeneDx Variant Classification Process June 2021. Collection method: clinical testing. Allele origin: germline. Affected: yes.
Comment: In silico analysis supports that this missense variant does not alter protein structure/function; Has not been previously published as pathogenic or benign to our knowledge

St. Jude Molecular Pathology, St. Jude Children's Research Hospital
Classification: Uncertain significance for Melanoma, cutaneous malignant, susceptibility to, 8. Last evaluated: 2022-10-05. Review status: criteria provided, single submitter. Criteria: St. Jude Assertion Criteria 2020. Collection method: clinical testing. Allele origin: germline.
Comment: The MITF c.622G>A (p.Glu208Lys) missense change has a maximum population frequency of 0.0062% in gnomAD v2.1.1. The in silico tool REVEL predicts a benign effect on protein function, but to our knowledge this prediction has not been confirmed by functional studies. To our knowledge, this variant has not been reported in individuals with melanoma and renal cell carcinoma. In summary, the evidence currently available is insufficient to determine the clinical significance of this variant. It has therefore been classified as of uncertain significance.

Fulgent Genetics
Classification: Uncertain significance for Tietz syndrome; Waardenburg syndrome type 2A; Melanoma, cutaneous malignant, susceptibility to, 8; Coloboma, osteopetrosis, microphthalmia, macrocephaly, albinism, and deafness. Last evaluated: 2021-07-20. Review status: criteria provided, single submitter. Criteria: ACMG Guidelines, 2015. Collection method: clinical testing. Allele origin: unknown.